The following is an entry in ClinVar:

ClinVar aggregate classification (germline): Likely benign (0 of 4 stars; one submission).

Conditions:
UNC13A-related disorder. Also called: UNC13A-related condition.

Allele frequency attached by ClinVar (database versions not stated): TOPMed 0.00008; gnomAD 0.00013; gnomAD exomes 0.00023; ESP Exome Variant Server 0.00024; ExAC 0.00032.
gnomAD v4.1: 340 of 1,554,712 alleles (0.022%); highest among the groups gnomAD compares: Non-Finnish European, 0.028%; no homozygotes.

Submission:

PreventionGenetics, part of Exact Sciences
Classification: Likely benign for UNC13A-related condition. Last evaluated: 2022-12-16. Review status: no assertion criteria provided. Collection method: clinical testing. Allele origin: germline.
Comment: This variant is classified as likely benign based on ACMG/AMP sequence variant interpretation guidelines (Richards et al. 2015 PMID: 25741868, with internal and published modifications).

NM_001080421.3(UNC13A):c.858C>T (p.Ser286=)

Gene: UNC13A (unc-13 homolog A; minus strand). Cytogenetic location: 19p13.11.
Variant type: single nucleotide variant.
Coding change: c.858C>T on transcript NM_001080421.3 (MANE Select); coding-DNA position 858, C replaced by T.
Protein change: p.Ser286=; no amino-acid change (serine 286 retained).
Molecular consequence: synonymous variant.
Genome position (GRCh38, 1-based): chr19:17,656,308, G>A on the plus strand (C>T on the coding strand, the complement: UNC13A is on the minus strand). VCF-style: chr19-17656308-G-A. GRCh37 (hg19) VCF-style: chr19-17767117-G-A.
Other names: c.858C>T, p.Ser286= (NM_001387021.1, NM_001387022.1, NM_001387023.1).
Identifiers: ClinVar variation 3036148 (VCV003036148.2), dbSNP rs369843698, ClinGen allele CA9298646.
Genomic context (GRCh38, chr19:17,656,308, plus strand): 5'-GCTGTGGCAGGAGTGGTAGGAGTCCCGGTCCCGCTCATCCTCCATGTCGGAGCCCTGCAG[G>A]CTGTGCTCGTCAGGGTCGAAGTCCTCGCTCAGCTGAGAGCTTCCCTGGCTCAGCTCCCCG-3'
Protein context (NP_001073890.2, residues 276-296): LSEDFDPDEH[Ser286=]LQGSDMEDER